The following is an entry in ClinVar:

NM_000548.5(TSC2):c.4349C>T (p.Pro1450Leu)

Gene: TSC2 (TSC complex subunit 2; plus strand). Cytogenetic location: 16p13.3.
Variant type: single nucleotide variant.
Coding change: c.4349C>T on transcript NM_000548.5 (MANE Select); coding-DNA position 4349, C replaced by T.
Protein change: p.Pro1450Leu; replaces proline 1450 with leucine.
Molecular consequence: missense variant. On other transcripts: non-coding transcript variant (5).
Genome position (GRCh38, 1-based): chr16:2,084,571, C>T. VCF-style: chr16-2084571-C-T. GRCh37 (hg19) VCF-style: chr16-2134572-C-T.
Other names: c.4148C>T, p.Pro1383Leu (NM_001077183.3); c.4280C>T, p.Pro1427Leu (NM_001114382.3); c.4040C>T, p.Pro1347Leu (NM_001318827.2); c.4004C>T, p.Pro1335Leu (NM_001318829.2); c.3617C>T, p.Pro1206Leu (NM_001318831.2); c.4181C>T, p.Pro1394Leu (NM_001318832.2); c.4151C>T, p.Pro1384Leu (NM_001363528.2); c.4217C>T, p.Pro1406Leu (NM_001370404.1); and 26 more; short protein forms P1377L, P1383L, P1413L, P1424L, P849L, P959L, P979L, P1206L.
Identifiers: ClinVar variation 4771227 (VCV004771227.2).

ClinVar aggregate classification (germline): Uncertain significance. Review status: criteria provided, multiple submitters, no conflicts (2 of 4 stars). 2 submissions from 2 submitters: Uncertain significance (2). Last evaluated 2026-06-05.

Conditions:
Tuberous sclerosis 2 (TSC2). Identifiers: Orphanet 805, MedGen C1860707, MONDO:0013199, OMIM 613254.
Hereditary cancer-predisposing syndrome. Also called: Neoplastic Syndromes, Hereditary; Tumor predisposition; Hereditary Cancer Syndrome; Hereditary neoplastic syndrome. Identifiers: Orphanet 140162, MedGen C0027672, MeSH D009386, MONDO:0015356.

gnomAD v4.1: 4 of 1,607,612 alleles (0.00025%); highest among the groups gnomAD compares: African/African-American, 0.0027%; no homozygotes.

Submissions (2):

Ambry Genetics
Classification: Uncertain significance for Hereditary cancer-predisposing syndrome. Last evaluated: 2026-06-05. Review status: criteria provided, single submitter. Criteria: Ambry Variant Classification Scheme 2023. Collection method: clinical testing. Allele origin: germline.
Comment: The p.P1450L variant (also known as c.4349C>T), located in coding exon 33 of the TSC2 gene, results from a C to T substitution at nucleotide position 4349. The proline at codon 1450 is replaced by leucine, an amino acid with similar properties. This amino acid position is highly conserved in available vertebrate species. In addition, this alteration is predicted to be deleterious by in silico analysis. Based on the available evidence, the clinical significance of this variant remains unclear.

Labcorp Genetics (formerly Invitae), Labcorp
Classification: Uncertain significance for Tuberous sclerosis 2. Last evaluated: 2025-07-29. Review status: criteria provided, single submitter. Criteria: Invitae Variant Classification Sherloc (09022015). Collection method: clinical testing. Allele origin: germline.
Comment: This sequence change replaces proline, which is neutral and non-polar, with leucine, which is neutral and non-polar, at codon 1450 of the TSC2 protein (p.Pro1450Leu). This variant is not present in population databases (gnomAD no frequency). This variant has not been reported in the literature in individuals affected with TSC2-related conditions. Invitae Evidence Modeling of protein sequence and biophysical properties (such as structural, functional, and spatial information, amino acid conservation, physicochemical variation, residue mobility, and thermodynamic stability) indicates that this missense variant is not expected to disrupt TSC2 protein function with a negative predictive value of 95%. In summary, the available evidence is currently insufficient to determine the role of this variant in disease. Therefore, it has been classified as a Variant of Uncertain Significance.